The following is an entry in ClinVar:

NM_022114.4(PRDM16):c.769G>C (p.Gly257Arg)

Gene: PRDM16 (PR/SET domain 16; plus strand). Cytogenetic location: 1p36.32.
Variant type: single nucleotide variant.
Coding change: c.769G>C on transcript NM_022114.4 (MANE Select); coding-DNA position 769, G replaced by C.
Protein change: p.Gly257Arg; replaces glycine 257 with arginine.
Molecular consequence: missense variant.
Genome position (GRCh38, 1-based): chr1:3,402,883, G>C. VCF-style: chr1-3402883-G-C. GRCh37 (hg19) VCF-style: chr1-3319447-G-C.
Other names: c.769G>C, p.Gly257Arg (NM_199454.3); short protein forms G257R.
Identifiers: ClinVar variation 2152380 (VCV002152380.4), dbSNP rs2523832873, ClinGen allele CA338003163.

ClinVar aggregate classification (germline): Uncertain significance (1 of 4 stars; one submission).

Conditions:
Left ventricular noncompaction 8 (LVNC8). Identifiers: Orphanet 154, Orphanet 54260, MedGen C3809288, MONDO:0014152, OMIM 615373.

Submission:

Labcorp Genetics (formerly Invitae), Labcorp
Classification: Uncertain significance for Left ventricular noncompaction 8. Last evaluated: 2022-04-04. Review status: criteria provided, single submitter. Criteria: Invitae Variant Classification Sherloc (09022015). Collection method: clinical testing. Allele origin: germline.
Comment: This sequence change replaces glycine, which is neutral and non-polar, with arginine, which is basic and polar, at codon 257 of the PRDM16 protein (p.Gly257Arg). This variant is not present in population databases (gnomAD no frequency). This variant has not been reported in the literature in individuals affected with PRDM16-related conditions. Algorithms developed to predict the effect of missense changes on protein structure and function output the following: SIFT: "Deleterious"; PolyPhen-2: "Benign"; Align-GVGD: "Class C0". The arginine amino acid residue is found in multiple mammalian species, which suggests that this missense change does not adversely affect protein function. In summary, the available evidence is currently insufficient to determine the role of this variant in disease. Therefore, it has been classified as a Variant of Uncertain Significance.